The following is an entry in ClinVar:

NM_052867.4(NALCN):c.934C>G (p.Leu312Val)

Gene: NALCN (sodium leak channel, non-selective; minus strand). Cytogenetic location: 13q33.1.
Variant type: single nucleotide variant.
Coding change: c.934C>G on transcript NM_052867.4 (MANE Select); coding-DNA position 934, C replaced by G.
Protein change: p.Leu312Val; replaces leucine 312 with valine.
Molecular consequence: missense variant.
Genome position (GRCh38, 1-based): chr13:101,292,232, G>C on the plus strand (C>G on the coding strand, the complement: NALCN is on the minus strand). VCF-style: chr13-101292232-G-C. GRCh37 (hg19) VCF-style: chr13-101944583-G-C.
Other names: c.934C>G, p.Leu312Val (NM_001350748.2, NM_001350749.2, NM_001350750.2 and 1 more transcripts); short protein forms L312V.
Identifiers: ClinVar variation 3340294 (VCV003340294.1).

ClinVar aggregate classification (germline): Pathogenic (1 of 4 stars; one submission).

Submission:

GeneDx
Classification: Pathogenic. Last evaluated: 2023-07-14. Review status: criteria provided, single submitter. Criteria: GeneDx Variant Classification Process June 2021. Collection method: clinical testing. Allele origin: germline. Affected: yes.
Comment: Not observed at significant frequency in large population cohorts (gnomAD); In silico analysis supports that this missense variant has a deleterious effect on protein structure/function; This variant is associated with the following publications: (PMID: 26763878)